The following is an entry in ClinVar:

ClinVar aggregate classification (germline): Uncertain significance (1 of 4 stars; one submission).

Conditions:
Hereditary cancer-predisposing syndrome. Also called: Neoplastic Syndromes, Hereditary; Hereditary neoplastic syndrome; Tumor predisposition; Hereditary Cancer Syndrome. Identifiers: Orphanet 140162, MedGen C0027672, MeSH D009386, MONDO:0015356.

Submission:

Ambry Genetics
Classification: Uncertain significance for Hereditary cancer-predisposing syndrome. Last evaluated: 2026-02-15. Review status: criteria provided, single submitter. Criteria: Ambry Variant Classification Scheme 2023. Collection method: clinical testing. Allele origin: germline.
Comment: The p.E267K variant (also known as c.799G>A), located in coding exon 7 of the BMPR1A gene, results from a G to A substitution at nucleotide position 799. The glutamic acid at codon 267 is replaced by lysine, an amino acid with similar properties. This amino acid position is conserved. In addition, the in silico prediction for this alteration is inconclusive. Based on the available evidence, the clinical significance of this variant remains unclear.

NM_004329.3(BMPR1A):c.799G>A (p.Glu267Lys)

Gene: BMPR1A (bone morphogenetic protein receptor type 1A; plus strand). Cytogenetic location: 10q23.2.
Variant type: single nucleotide variant.
Coding change: c.799G>A on transcript NM_004329.3 (MANE Select); coding-DNA position 799, G replaced by A.
Protein change: p.Glu267Lys; replaces glutamic acid 267 with lysine.
Molecular consequence: missense variant. On other transcripts: non-coding transcript variant (3).
Genome position (GRCh38, 1-based): chr10:86,917,257, G>A. VCF-style: chr10-86917257-G-A. GRCh37 (hg19) VCF-style: chr10-88677014-G-A.
Other names: c.874G>A, p.Glu292Lys (NM_001406559.1); c.847G>A, p.Glu283Lys (NM_001406560.1); c.799G>A, p.Glu267Lys (NM_001406561.1, NM_001406562.1, NM_001406563.1 and 19 more transcripts); c.793G>A, p.Glu265Lys (NM_001406583.1); c.715G>A, p.Glu239Lys (NM_001406584.1, NM_001406585.1, NM_001406586.1 and 2 more transcripts); c.457G>A, p.Glu153Lys (NM_001406589.1); short protein forms E292K, E265K, E267K, E283K, E153K, E239K.
Identifiers: ClinVar variation 4824028 (VCV004824028.1).